The following is an entry in ClinVar:

NM_001273.5(CHD4):c.3929A>C (p.Asp1310Ala)

Genes: CHD4 (chromodomain helicase DNA binding protein 4; minus strand), CHD4-AS1 (CHD4 antisense RNA 1; plus strand). Cytogenetic location: 12p13.31.
Variant type: single nucleotide variant.
Coding change: c.3929A>C on transcript NM_001273.5 (MANE Select); coding-DNA position 3929, A replaced by C.
Protein change: p.Asp1310Ala; replaces aspartic acid 1310 with alanine.
Molecular consequence: missense variant. On other transcripts: non-coding transcript variant (2).
Genome position (GRCh38, 1-based): chr12:6,583,329, T>G on the plus strand (A>C on the coding strand, the complement: CHD4 is on the minus strand). VCF-style: chr12-6583329-T-G. GRCh37 (hg19) VCF-style: chr12-6692495-T-G.
Other names: c.3908A>C, p.Asp1303Ala (NM_001297553.2); c.3890A>C, p.Asp1297Ala (NM_001363606.2); short protein forms D1310A, D1297A, D1303A.
Identifiers: ClinVar variation 4795608 (VCV004795608.1).
Genomic context (GRCh38, chr12:6,583,329, plus strand): 5'-GCTAGATCTTCTTGCTGCTGCTCATAATGGTGCCGCAGCAATTTCTCCCAGTAGTCAGGA[T>G]CCACACTTTCTTCCTGTTTAATGATTTCCCGTTCTACCTCCTCTTCCTCCTGGGACAGAG-3'
Protein context (NP_001264.2, residues 1300-1320): REIIKQEESV[Asp1310Ala]PDYWEKLLRH

ClinVar aggregate classification (germline): Uncertain significance (1 of 4 stars; one submission).

Submission:

GeneDx
Classification: Uncertain significance. Last evaluated: 2025-08-11. Review status: criteria provided, single submitter. Criteria: GeneDx Variant Classification Process June 2021. Collection method: clinical testing. Allele origin: germline. Affected: yes.
Comment: Not observed at significant frequency in large population cohorts (gnomAD); In silico analysis supports that this missense variant has a deleterious effect on protein structure/function; Has not been previously published as pathogenic or benign to our knowledge